The following is an entry in ClinVar:

ClinVar aggregate classification (germline): Uncertain significance (0 of 4 stars; one submission).

Conditions:
DAGLA-related disorder. Also called: DAGLA-related condition.

gnomAD v4.1: 28 of 1,613,698 alleles (0.0017%); highest among the groups gnomAD compares: Non-Finnish European, 0.0021%; no homozygotes.

Submission:

PreventionGenetics, part of Exact Sciences
Classification: Uncertain significance for DAGLA-related condition. Last evaluated: 2024-07-08. Review status: no assertion criteria provided. Collection method: clinical testing. Allele origin: germline.
Comment: The DAGLA c.998C>T variant is predicted to result in the amino acid substitution p.Pro333Leu. To our knowledge, this variant has not been reported in the literature. This variant is reported in 0.0062% of alleles in individuals of African descent in gnomAD. At this time, the clinical significance of this variant is uncertain due to the absence of conclusive functional and genetic evidence.

NM_006133.3(DAGLA):c.998C>T (p.Pro333Leu)

Gene: DAGLA (diacylglycerol lipase alpha; plus strand). Cytogenetic location: 11q12.2.
Variant type: single nucleotide variant.
Coding change: c.998C>T on transcript NM_006133.3 (MANE Select); coding-DNA position 998, C replaced by T.
Protein change: p.Pro333Leu; replaces proline 333 with leucine.
Molecular consequence: missense variant.
Genome position (GRCh38, 1-based): chr11:61,734,872, C>T. VCF-style: chr11-61734872-C-T. GRCh37 (hg19) VCF-style: chr11-61502344-C-T.
Other names: short protein forms P333L.
Identifiers: ClinVar variation 3352133 (VCV003352133.1).
Genomic context (GRCh38, chr11:61,734,872, plus strand): 5'-CTCCCTGGCCCTGAACTCTCTTGTCACCCCACCCTAGGTGTTGCCTGTGTCCTGCGAGGC[C>T]GCGGTTCGCCCCTGGAGTCACCATCGAGGAAGACAACTGCTGTGGCTGTAATGCCATTGC-3'
Protein context (NP_006124.1, residues 323-343): SCSCCLCPAR[Pro333Leu]RFAPGVTIEE